The following is an entry in ClinVar:

NM_001081550.2(THOC2):c.610A>C (p.Asn204His)

Gene: THOC2 (THO complex subunit 2; minus strand). Cytogenetic location: Xq25.
Variant type: single nucleotide variant.
Coding change: c.610A>C on transcript NM_001081550.2 (MANE Select); coding-DNA position 610, A replaced by C.
Protein change: p.Asn204His; replaces asparagine 204 with histidine.
Molecular consequence: missense variant.
Genome position (GRCh38, 1-based): chrX:123,686,706, T>G on the plus strand (A>C on the coding strand, the complement: THOC2 is on the minus strand). VCF-style: chrX-123686706-T-G. GRCh37 (hg19) VCF-style: chrX-122820556-T-G.
Other names: short protein forms N204H.
Identifiers: ClinVar variation 1708663 (VCV001708663.2), dbSNP rs2521941864, ClinGen allele CA414274289.

ClinVar aggregate classification (germline): Uncertain significance (1 of 4 stars; one submission).

Submission:

GeneDx
Classification: Uncertain significance. Last evaluated: 2022-04-07. Review status: criteria provided, single submitter. Criteria: GeneDx Variant Classification Process June 2021. Collection method: clinical testing. Allele origin: germline. Affected: yes.
Comment: Not observed at significant frequency in large population cohorts (gnomAD); In silico analysis supports that this missense variant has a deleterious effect on protein structure/function; Has not been previously published as pathogenic or benign to our knowledge